The following is an entry in ClinVar:

ClinVar aggregate classification (germline): Uncertain significance. Review status: criteria provided, multiple submitters, no conflicts (2 of 4 stars). 2 submissions from 2 submitters: Uncertain significance (2). Last evaluated 2021-12-05.

Conditions:
Early-onset myopathy with fatal cardiomyopathy (CMYO5). Also called: Salih Myopathy; CONGENITAL MYOPATHY 5 WITH CARDIOMYOPATHY. Identifiers: Orphanet 289377, MedGen C2673677, MONDO:0012714, OMIM 611705. Disease mechanism: loss of function.
Hypertrophic cardiomyopathy 9. Also called: Familial hypertrophic cardiomyopathy 9. Identifiers: MedGen C1861065, MONDO:0013412, OMIM 613765.
Autosomal recessive limb-girdle muscular dystrophy type 2J (LGMDR10). Also called: Limb-girdle muscular dystrophy, type 2J; MUSCULAR DYSTROPHY, LIMB-GIRDLE, AUTOSOMAL RECESSIVE 10. Identifiers: Orphanet 140922, MedGen C1837342, MONDO:0012127, OMIM 608807.
Tibial muscular dystrophy (TMD). Also called: UDD MYOPATHY; Udd Distal Myopathy – Tibial Muscular Dystrophy; Tibial muscular dystrophy, tardive. Identifiers: Orphanet 609, MedGen C1838244, MONDO:0010870, OMIM 600334.
Myopathy, myofibrillar, 9, with early respiratory failure (MFM9). Also called: MYOPATHY, PROXIMAL, WITH EARLY RESPIRATORY MUSCLE INVOLVEMENT; Hereditary myopathy with early respiratory failure; EDSTROM MYOPATHY; Myopathy, distal, with early respiratory failure, autosomal dominant. Identifiers: Orphanet 178464, Orphanet 34521, MedGen C1863599, MONDO:0011362, OMIM 603689.
Dilated cardiomyopathy 1G (CMD1G). Identifiers: Orphanet 154, MedGen C1858763, MONDO:0011400, OMIM 604145.

Allele frequency attached by ClinVar (database versions not stated): gnomAD 0.00003 and 0.00004; TOPMed 0.00003; gnomAD exomes 0.00005; ExAC 0.00007; 1000 Genomes Project 30x 0.00016; 1000 Genomes Project 0.00020.
gnomAD v4.1: 91 of 1,613,924 alleles (0.0056%); highest among the groups gnomAD compares: Middle Eastern, 0.033%; no homozygotes.

Submissions (2):

Fulgent Genetics
Classification: Uncertain significance for Tibial muscular dystrophy; Myopathy, myofibrillar, 9, with early respiratory failure; Dilated cardiomyopathy 1G; Autosomal recessive limb-girdle muscular dystrophy type 2J; Early-onset myopathy with fatal cardiomyopathy; Hypertrophic cardiomyopathy 9. Last evaluated: 2021-12-05. Review status: criteria provided, single submitter. Criteria: ACMG Guidelines, 2015. Collection method: clinical testing. Allele origin: unknown.

Baylor Genetics
Classification: Uncertain significance for Myopathy, myofibrillar, 9, with early respiratory failure. Last evaluated: 2018-05-03. Review status: criteria provided, single submitter. Criteria: ACMG Guidelines, 2015. Collection method: clinical testing. Allele origin: paternal. Affected: yes.
Comment: This variant was determined to be of uncertain significance according to ACMG Guidelines, 2015 [PMID:25741868].

NM_001267550.2(TTN):c.9167G>A (p.Arg3056His)

Gene: TTN (titin; minus strand). Cytogenetic location: 2q31.2.
Variant type: single nucleotide variant.
Coding change: c.9167G>A on transcript NM_001267550.2 (MANE Select); coding-DNA position 9167, G replaced by A.
Protein change: p.Arg3056His; replaces arginine 3056 with histidine.
Molecular consequence: missense variant.
Genome position (GRCh38, 1-based): chr2:178,768,152, C>T on the plus strand (G>A on the coding strand, the complement: TTN is on the minus strand). VCF-style: chr2-178768152-C-T. GRCh37 (hg19) VCF-style: chr2-179632879-C-T.
Other names: c.9167G>A, p.Arg3056His (NM_001256850.1, NM_133378.4, NM_133379.5); c.9029G>A, p.Arg3010His (NM_003319.4, NM_133432.3, NM_133437.4); short protein forms R3010H, R3056H.
Identifiers: ClinVar variation 809095 (VCV000809095.13), dbSNP rs547301978, ClinGen allele CA2004418.